The following is an entry in ClinVar:

NM_000516.7(GNAS):c.580G>A (p.Asp194Asn)

Gene: GNAS (GNAS complex locus; plus strand). Cytogenetic location: 20q13.32.
Variant type: single nucleotide variant.
Coding change: c.580G>A on transcript NM_000516.7 (MANE Select); coding-DNA position 580, G replaced by A.
Protein change: p.Asp194Asn; replaces aspartic acid 194 with asparagine.
Molecular consequence: missense variant. On other transcripts: 3 prime UTR variant (2).
Genome position (GRCh38, 1-based): chr20:58,909,211, G>A. VCF-style: chr20-58909211-G-A. GRCh37 (hg19) VCF-style: chr20-57484266-G-A.
Other names: c.583G>A, p.Asp195Asn (NM_001077488.5); c.535G>A, p.Asp179Asn (NM_001077489.4); c.*441G>A (NM_001077490.3); c.403G>A, p.Asp135Asn (NM_001309840.2, NM_001309861.2); c.*486G>A (NM_016592.5); c.2509G>A, p.Asp837Asn (NM_080425.4); c.538G>A, p.Asp180Asn (NM_080426.4); short protein forms D135N, D179N, D180N, D194N, D195N, D837N.
Identifiers: ClinVar variation 1316568 (VCV001316568.7), dbSNP rs2146265513, ClinGen allele CA409452053.

ClinVar aggregate classification (germline): Uncertain significance. Review status: criteria provided, multiple submitters, no conflicts (2 of 4 stars). 2 submissions from 2 submitters: Uncertain significance (2). Last evaluated 2024-05-23.

Allele frequency attached by ClinVar (database versions not stated): gnomAD exomes below 0.00001.
gnomAD v4.1: 1 of 1,613,726 alleles (0.000062%); highest among the groups gnomAD compares: Non-Finnish European, 0.000085%; no homozygotes.

Submissions (2):

Labcorp Genetics (formerly Invitae), Labcorp
Classification: Uncertain significance. Last evaluated: 2024-05-23. Review status: criteria provided, single submitter. Criteria: Invitae Variant Classification Sherloc (09022015). Collection method: clinical testing. Allele origin: germline.
Comment: This sequence change replaces aspartic acid, which is acidic and polar, with asparagine, which is neutral and polar, at codon 194 of the GNAS protein (p.Asp194Asn). This variant is not present in population databases (gnomAD no frequency). This variant has not been reported in the literature in individuals affected with GNAS-related conditions. ClinVar contains an entry for this variant (Variation ID: 1316568). Advanced modeling of protein sequence and biophysical properties (such as structural, functional, and spatial information, amino acid conservation, physicochemical variation, residue mobility, and thermodynamic stability) performed at Invitae indicates that this missense variant is not expected to disrupt GNAS protein function with a negative predictive value of 80%. In summary, the available evidence is currently insufficient to determine the role of this variant in disease. Therefore, it has been classified as a Variant of Uncertain Significance.

GeneDx
Classification: Uncertain significance. Last evaluated: 2019-11-25. Review status: criteria provided, single submitter. Criteria: GeneDx Variant Classification Process June 2021. Collection method: clinical testing. Allele origin: germline. Affected: yes.
Comment: Not observed in large population cohorts (Lek et al., 2016); In silico analysis, which includes protein predictors and evolutionary conservation, supports a deleterious effect; Has not been previously published as a pathogenic or benign to our knowledge; This variant is associated with the following publications: (PMID: 23337932)